The following is an entry in ClinVar:

NM_018060.4(IARS2):c.1810G>A (p.Gly604Arg)

Gene: IARS2 (isoleucyl-tRNA synthetase 2, mitochondrial; plus strand). Cytogenetic location: 1q41.
Variant type: single nucleotide variant.
Coding change: c.1810G>A on transcript NM_018060.4 (MANE Select); coding-DNA position 1810, G replaced by A.
Protein change: p.Gly604Arg; replaces glycine 604 with arginine.
Molecular consequence: missense variant.
Genome position (GRCh38, 1-based): chr1:220,126,816, G>A. VCF-style: chr1-220126816-G-A. GRCh37 (hg19) VCF-style: chr1-220300158-G-A.
Other names: short protein forms G604R.
Identifiers: ClinVar variation 3896588 (VCV003896588.2).

ClinVar aggregate classification (germline): Uncertain significance (1 of 4 stars; one submission).

gnomAD v4.1: 17 of 1,612,396 alleles (0.0011%); highest among the groups gnomAD compares: East Asian, 0.0045%; no homozygotes.

Submission:

Women's Health and Genetics/Laboratory Corporation of America, LabCorp
Classification: Uncertain significance. Last evaluated: 2025-04-28. Review status: criteria provided, single submitter. Criteria: LabCorp Variant Classification Summary - May 2015. Collection method: clinical testing. Allele origin: germline.
Comment: Variant summary: IARS2 c.1810G>A (p.Gly604Arg) results in a non-conservative amino acid change in the encoded protein sequence. Five of five in-silico tools predict a damaging effect of the variant on protein function. The variant allele was found at a frequency of 1.1e-05 in 1605404 control chromosomes in the gnomAD database (v4.1 dataset). This frequency is not significantly higher than estimated for a pathogenic variant in IARS2 causing Cataract-Growth Hormone Deficiency-Sensory Neuropathy-Sensorineural Hearing Loss-Skeletal Dysplasia Syndrome, allowing no conclusion about variant significance. To our knowledge, no occurrence of c.1810G>A in individuals affected with Cataract-Growth Hormone Deficiency-Sensory Neuropathy-Sensorineural Hearing Loss-Skeletal Dysplasia Syndrome and no experimental evidence demonstrating its impact on protein function have been reported. No submitters have cited clinical-significance assessments for this variant to ClinVar. Based on the evidence outlined above, the variant was classified as uncertain significance.